The following is an entry in ClinVar:

NM_000051.4(ATM):c.7542_7543del (p.Tyr2514_Lys2515delinsTer)

Genes: ATM (ATM serine/threonine kinase; plus strand), C11orf65 (chromosome 11 open reading frame 65; minus strand). Cytogenetic location: 11q22.3.
Variant type: Microsatellite.
Coding change: c.7542_7543del on transcript NM_000051.4 (MANE Select); coding-DNA positions 7542 to 7543, 2 bases deleted (TA; older notation c.7542_7543delTA).
Protein change: p.Tyr2514_Lys2515delinsTer.
Molecular consequence: nonsense. On other transcripts: frameshift variant (1), non-coding transcript variant (1), intron variant (2).
Genome position (GRCh38, 1-based): chr11:108,331,470-108,331,471, TA deleted; deleting any 2 consecutive bases within chr11:108,331,467-108,331,471 gives the same sequence; the c. name uses the placement nearest the transcript's 3' end. VCF-style (leftmost placement, unchanged base first): chr11-108331466-CAT-C. GRCh37 (hg19) VCF-style: chr11-108202193-CAT-C.
Other names: c.7542_7543delTA (NM_000051.3); c.7542_7543del, p.Tyr2514_Lys2515delinsTer (NM_001351834.2); c.641-22397_641-22396del (NM_001330368.2); c.*38+3752_*38+3753del (NM_001351110.2).
Identifiers: ClinVar variation 524269 (VCV000524269.18), dbSNP rs1555123981, ClinGen allele CA658797729.

ClinVar aggregate classification (germline): Pathogenic. Review status: criteria provided, multiple submitters, no conflicts (2 of 4 stars). 6 submissions from 6 submitters: Pathogenic (6). Last evaluated 2025-05-13.

Conditions:
ATM-related cancer predisposition. Also called: ATM-related cancer susceptibility. Identifiers: MedGen CN377759, MONDO:0700270.
Hereditary cancer-predisposing syndrome. Also called: Hereditary Cancer Syndrome; Neoplastic Syndromes, Hereditary; Tumor predisposition; Hereditary neoplastic syndrome. Identifiers: Orphanet 140162, MedGen C0027672, MeSH D009386, MONDO:0015356.
Familial cancer of breast. Also called: BREAST CANCER, FAMILIAL; Hereditary breast cancer; hereditary breast carcinoma. Identifiers: Orphanet 227535, MedGen C0346153, MONDO:0016419, OMIM 114480. Disease mechanism: loss of function.
Ataxia-telangiectasia syndrome (AT). Also called: Cerebello-oculocutaneous telangiectasia; Immunodeficiency with ataxia telangiectasia; Ataxia-telangiectasia, complementation group E; Ataxia-telangiectasia, complementation group D; AT, COMPLEMENTATION GROUP C; ATAXIA-TELANGIECTASIA, COMPLEMENTATION GROUP A. Identifiers: Orphanet 100, MedGen C0004135, MONDO:0008840, OMIM 208900.

Submissions (6):

Labcorp Genetics (formerly Invitae), Labcorp
Classification: Pathogenic for Ataxia-telangiectasia syndrome. Last evaluated: 2025-05-13. Review status: criteria provided, single submitter. Criteria: Invitae Variant Classification Sherloc (09022015). Collection method: clinical testing. Allele origin: germline.
Comment: This sequence change creates a premature translational stop signal (p.Tyr2514*) in the ATM gene. It is expected to result in an absent or disrupted protein product. Loss-of-function variants in ATM are known to be pathogenic (PMID: 23807571, 25614872). This variant is not present in population databases (gnomAD no frequency). This variant has not been reported in the literature in individuals affected with ATM-related conditions. ClinVar contains an entry for this variant (Variation ID: 524269). For these reasons, this variant has been classified as Pathogenic.

Ambry Genetics
Classification: Pathogenic for Hereditary cancer-predisposing syndrome. Last evaluated: 2024-11-08. Review status: criteria provided, single submitter. Criteria: Ambry Variant Classification Scheme 2023. Collection method: clinical testing. Allele origin: germline.
Comment: The c.7542_7543delTA pathogenic mutation, located in coding exon 50 of the ATM gene, results from a deletion of two nucleotides at nucleotide positions 7542 to 7543, causing a translational frameshift with a predicted alternate stop codon (p.Y2514*). This variant is considered to be rare based on population cohorts in the Genome Aggregation Database (gnomAD). This alteration is expected to result in loss of function by premature protein truncation or nonsense-mediated mRNA decay. As such, this alteration is interpreted as a disease-causing mutation.

Myriad Genetics, Inc.
Classification: Pathogenic for Familial cancer of breast. Last evaluated: 2024-01-31. Review status: criteria provided, single submitter. Criteria: Myriad Autosomal Dominant, Autosomal Recessive and X-Linked Classification Criteria (2023). Collection method: clinical testing. Allele origin: unknown.
Comment: This variant is considered pathogenic. This variant creates a termination codon and is predicted to result in premature protein truncation.

Department of Pathology and Laboratory Medicine, Sinai Health System
Classification: Pathogenic for ATM-related cancer predisposition. Last evaluated: 2023-08-16. Review status: criteria provided, single submitter. Criteria: ACMG Guidelines, 2015. Collection method: clinical testing. Allele origin: germline. Affected: no.

Color Diagnostics, LLC DBA Color Health
Classification: Pathogenic for Hereditary cancer-predisposing syndrome. Last evaluated: 2020-02-27. Review status: criteria provided, single submitter. Criteria: ACMG Guidelines, 2015. Collection method: clinical testing. Allele origin: germline.
Comment: This variant deletes 2 nucleotides in exon 51 of the ATM gene, creating a premature translation stop signal. This variant is expected to result in an absent or non-functional protein product. To our knowledge, this variant has not been reported in individuals affected with hereditary cancer in the literature. This variant has not been identified in the general population by the Genome Aggregation Database (gnomAD). Loss of ATM function is a known mechanism of disease. Based on the available evidence, this variant is classified as Pathogenic.

Mendelics
Classification: Pathogenic for Ataxia-telangiectasia syndrome. Last evaluated: 2019-05-28. Review status: criteria provided, single submitter. Criteria: Mendelics Assertion Criteria 2017. Collection method: clinical testing. Allele origin: unknown.

Literature cited by the submitters: PubMed 23807571 (cited by Labcorp Genetics (formerly Invitae), Labcorp); PubMed 25614872 (cited by Labcorp Genetics (formerly Invitae), Labcorp).